The following is an entry in ClinVar:

ClinVar aggregate classification (germline): Uncertain significance (1 of 4 stars; one submission).

Conditions:
Inborn genetic diseases. Identifiers: MedGen C0950123, MeSH D030342.

Submission:

Ambry Genetics
Classification: Uncertain significance for Inborn genetic diseases. Last evaluated: 2026-02-23. Review status: criteria provided, single submitter. Criteria: Ambry Variant Classification Scheme 2023. Collection method: clinical testing. Allele origin: germline.
Comment: The p.P822R variant (also known as c.2465C>G), located in coding exon 8 of the MECOM gene, results from a C to G substitution at nucleotide position 2465. The proline at codon 822 is replaced by arginine, an amino acid with dissimilar properties. This amino acid position is conserved. In addition, the in silico prediction for this alteration is inconclusive. Based on the available evidence, the clinical significance of this variant remains unclear.

NM_004991.4(MECOM):c.2465C>G (p.Pro822Arg)

Gene: MECOM (MDS1 and EVI1 complex locus; minus strand). Cytogenetic location: 3q26.2.
Variant type: single nucleotide variant.
Coding change: c.2465C>G on transcript NM_004991.4 (MANE Select); coding-DNA position 2465, C replaced by G.
Protein change: p.Pro822Arg; replaces proline 822 with arginine.
Molecular consequence: missense variant.
Genome position (GRCh38, 1-based): chr3:169,115,407, G>C on the plus strand (C>G on the coding strand, the complement: MECOM is on the minus strand). VCF-style: chr3-169115407-G-C. GRCh37 (hg19) VCF-style: chr3-168833195-G-C.
Other names: c.2096C>G, p.Pro699Arg (NM_001105077.4); c.1901C>G, p.Pro634Arg (NM_001105078.4, NM_001164000.2, NM_001205194.2 and 4 more transcripts); c.1904C>G, p.Pro635Arg (NM_001163999.2, NM_001366467.2, NM_001366468.2 and 1 more transcripts); c.2465C>G, p.Pro822Arg (NM_001366466.2); c.1493C>G, p.Pro498Arg (NM_001366473.2); c.929C>G, p.Pro310Arg (NM_001366474.2); short protein forms P822R, P310R, P635R, P498R, P634R, P699R.
Identifiers: ClinVar variation 4826694 (VCV004826694.1).